The following is an entry in ClinVar:

ClinVar aggregate classification (germline): Uncertain significance. Review status: criteria provided, multiple submitters, no conflicts (2 of 4 stars). 2 submissions from 2 submitters: Uncertain significance (2). Last evaluated 2025-04-01.

Conditions:
Inborn genetic diseases. Identifiers: MedGen C0950123, MeSH D030342.

Allele frequency attached by ClinVar (database versions not stated): ExAC 0.00007; TOPMed 0.00008; ESP Exome Variant Server 0.00009; gnomAD 0.00009; gnomAD exomes 0.00009.
gnomAD v4.1: 141 of 1,587,714 alleles (0.0089%); highest among the groups gnomAD compares: Middle Eastern, 0.035%; no homozygotes.

Submissions (2):

Ambry Genetics
Classification: Uncertain significance for Inborn genetic diseases. Last evaluated: 2025-04-01. Review status: criteria provided, single submitter. Criteria: Ambry Variant Classification Scheme 2023. Collection method: clinical testing. Allele origin: germline.

GeneDx
Classification: Uncertain significance. Last evaluated: 2023-04-20. Review status: criteria provided, single submitter. Criteria: GeneDx Variant Classification Process June 2021. Collection method: clinical testing. Allele origin: germline. Affected: yes.
Comment: In silico analysis supports that this missense variant does not alter protein structure/function; Has not been previously published as pathogenic or benign to our knowledge

NM_152730.6(TBC1D32):c.1356G>T (p.Lys452Asn)

Gene: TBC1D32 (TBC1 domain family member 32; minus strand). Cytogenetic location: 6q22.31.
Variant type: single nucleotide variant.
Coding change: c.1356G>T on transcript NM_152730.6 (MANE Select); coding-DNA position 1356, G replaced by T.
Protein change: p.Lys452Asn; replaces lysine 452 with asparagine.
Molecular consequence: missense variant. On other transcripts: non-coding transcript variant (1).
Genome position (GRCh38, 1-based): chr6:121,292,069, C>A on the plus strand (G>T on the coding strand, the complement: TBC1D32 is on the minus strand). VCF-style: chr6-121292069-C-A. GRCh37 (hg19) VCF-style: chr6-121613215-C-A.
Other names: c.1356G>T, p.Lys452Asn (NM_001367759.1, NM_001367760.1); c.1356G>T (NM_152730.4); short protein forms K452N.
Identifiers: ClinVar variation 2662151 (VCV002662151.2), dbSNP rs369009845, ClinGen allele CA3981189.